The following is an entry in ClinVar:

NM_000338.3(SLC12A1):c.2287C>G (p.Leu763Val)

Gene: SLC12A1 (solute carrier family 12 member 1; plus strand). Cytogenetic location: 15q21.1.
Variant type: single nucleotide variant.
Coding change: c.2287C>G on transcript NM_000338.3 (MANE Select); coding-DNA position 2287, C replaced by G.
Protein change: p.Leu763Val; replaces leucine 763 with valine.
Molecular consequence: missense variant.
Genome position (GRCh38, 1-based): chr15:48,267,693, C>G. VCF-style: chr15-48267693-C-G. GRCh37 (hg19) VCF-style: chr15-48559890-C-G.
Other names: c.2287C>G, p.Leu763Val (NM_001184832.2, NM_001384136.1); short protein forms L763V.
Identifiers: ClinVar variation 1087101 (VCV001087101.12), dbSNP rs148689126, ClinGen allele CA7547340.

ClinVar aggregate classification (germline): Conflicting classifications of pathogenicity. Review status: criteria provided, conflicting classifications (1 of 4 stars). 3 submissions from 3 submitters: Uncertain significance (1); Likely benign (2). Last evaluated 2026-01-26.

Conditions:
SLC12A1-related disorder. Also called: SLC12A1-related condition.

Allele frequency attached by ClinVar (database versions not stated): gnomAD exomes 0.00010 and 0.00029; ExAC 0.00033; 1000 Genomes Project 0.00060; gnomAD 0.00102 and 0.00108; ESP Exome Variant Server 0.00115; TOPMed 0.00122.
gnomAD v4.1: 304 of 1,613,230 alleles (0.019%); highest among the groups gnomAD compares: African/African-American, 0.38%; 2 homozygotes.

Submissions (3):

Labcorp Genetics (formerly Invitae), Labcorp
Classification: Likely benign. Last evaluated: 2026-01-26. Review status: criteria provided, single submitter. Criteria: Invitae Variant Classification Sherloc (09022015). Collection method: clinical testing. Allele origin: germline.

PreventionGenetics, part of Exact Sciences
Classification: Likely benign for SLC12A1-related condition. Last evaluated: 2026-01-13. Review status: criteria provided, single submitter. Criteria: ACMG Guidelines, 2015. Collection method: clinical testing. Allele origin: germline.
Comment: This variant is classified as likely benign based on ACMG/AMP sequence variant interpretation guidelines (Richards et al. 2015 PMID: 25741868, with internal and published modifications).

GeneDx
Classification: Uncertain significance. Last evaluated: 2019-09-13. Review status: criteria provided, single submitter. Criteria: GeneDx Variant Classification Process June 2021. Collection method: clinical testing. Allele origin: germline. Affected: yes.
Comment: In silico analysis, which includes protein predictors and evolutionary conservation, supports a deleterious effect; Has not been previously published as pathogenic or benign to our knowledge